The following is an entry in ClinVar:

NM_001302998.2(LIPI):c.262T>C (p.Ser88Pro)

Gene: LIPI (lipase I; minus strand). Cytogenetic location: 21q11.2.
Variant type: single nucleotide variant.
Coding change: c.262T>C on transcript NM_001302998.2 (MANE Select); coding-DNA position 262, T replaced by C.
Protein change: p.Ser88Pro; replaces serine 88 with proline.
Molecular consequence: missense variant. On other transcripts: intron variant (1).
Genome position (GRCh38, 1-based): chr21:14,189,204, A>G on the plus strand (T>C on the coding strand, the complement: LIPI is on the minus strand). VCF-style: chr21-14189204-A-G. GRCh37 (hg19) VCF-style: chr21-15561525-A-G.
Other names: c.262T>C, p.Ser88Pro (NM_001302999.2, NM_001303000.2, NM_001303001.2 and 1 more transcripts); c.127T>C, p.Ser43Pro (NM_198996.4); c.47-7345T>C (NM_001379566.1); short protein forms S43P, S88P.
Identifiers: ClinVar variation 2064531 (VCV002064531.4), dbSNP rs142855575, ClinGen allele CA9979730.
Genomic context (GRCh38, chr21:14,189,204, plus strand): 5'-CATTCATATCTTCTTCATTCAGCAAAATCCTTACGAAGTTCTGAAGCCATAATGGGATGG[A>G]GCCTACTGGTCTGTATCCGTGAATAAGCCAGACTGTTTTCTTTTGTGTGTTGAAATTAAC-3'
Protein context (NP_001289927.1, residues 78-98): WLIHGYRPVG[Ser88Pro]IPLWLQNFVR

ClinVar aggregate classification (germline): Uncertain significance (1 of 4 stars; one submission).

Allele frequency attached by ClinVar (database versions not stated): gnomAD exomes 0.00008; gnomAD 0.00005; TOPMed 0.00006; ESP Exome Variant Server 0.00015; ExAC 0.00008.
gnomAD v4.1: 115 of 1,613,996 alleles (0.0071%); highest among the groups gnomAD compares: Middle Eastern, 0.049%; no homozygotes.

Submission:

Labcorp Genetics (formerly Invitae), Labcorp
Classification: Uncertain significance. Last evaluated: 2024-12-10. Review status: criteria provided, single submitter. Criteria: Invitae Variant Classification Sherloc (09022015). Collection method: clinical testing. Allele origin: germline.
Comment: This sequence change replaces serine, which is neutral and polar, with proline, which is neutral and non-polar, at codon 109 of the LIPI protein (p.Ser109Pro). This variant is present in population databases (rs142855575, gnomAD 0.02%). This variant has not been reported in the literature in individuals affected with LIPI-related conditions. ClinVar contains an entry for this variant (Variation ID: 2064531). An algorithm developed to predict the effect of missense changes on protein structure and function (PolyPhen-2) suggests that this variant is likely to be disruptive. In summary, the available evidence is currently insufficient to determine the role of this variant in disease. Therefore, it has been classified as a Variant of Uncertain Significance.